The following is an entry in ClinVar:

ClinVar aggregate classification (germline): Pathogenic (1 of 4 stars; one submission).

Conditions:
Marfan syndrome (MFS). Also called: MARFAN SYNDROME, TYPE I; Marfan syndrome type 1; Marfan's syndrome; Marfan syndrome, classic; FBN1-Related Marfan Syndrome. Identifiers: Orphanet 284963, Orphanet 558, MedGen C0024796, MONDO:0007947, OMIM 154700.
Familial thoracic aortic aneurysm and aortic dissection (TAAD). Also called: Thoracic aortic aneurysms and dissections. Identifiers: Orphanet 91387, MedGen C4707243, MONDO:0019625.

Submission:

Labcorp Genetics (formerly Invitae), Labcorp
Classification: Pathogenic for Marfan syndrome; Familial thoracic aortic aneurysm and aortic dissection. Last evaluated: 2024-07-03. Review status: criteria provided, single submitter. Criteria: Invitae Variant Classification Sherloc (09022015). Collection method: clinical testing. Allele origin: germline.
Comment: This sequence change replaces cysteine, which is neutral and slightly polar, with arginine, which is basic and polar, at codon 2365 of the FBN1 protein (p.Cys2365Arg). This variant is not present in population databases (gnomAD no frequency). This missense change has been observed in individuals with clinical features of FBN1-related conditions (PMID: 26787436; Invitae). Advanced modeling of protein sequence and biophysical properties (such as structural, functional, and spatial information, amino acid conservation, physicochemical variation, residue mobility, and thermodynamic stability) performed at Invitae indicates that this missense variant is expected to disrupt FBN1 protein function with a positive predictive value of 95%. This variant disrupts the p.Cys2365 amino acid residue in FBN1. Other variant(s) that disrupt this residue have been determined to be pathogenic (Invitae). This suggests that this residue is clinically significant, and that variants that disrupt this residue are likely to be disease-causing. For these reasons, this variant has been classified as Pathogenic.

Literature cited by the submitters: PubMed 26787436.

NM_000138.5(FBN1):c.7093T>C (p.Cys2365Arg)

Gene: FBN1 (fibrillin 1; minus strand). Cytogenetic location: 15q21.1.
Variant type: single nucleotide variant.
Coding change: c.7093T>C on transcript NM_000138.5 (MANE Select); coding-DNA position 7093, T replaced by C.
Protein change: p.Cys2365Arg; replaces cysteine 2365 with arginine.
Molecular consequence: missense variant.
Genome position (GRCh38, 1-based): chr15:48,427,678, A>G on the plus strand (T>C on the coding strand, the complement: FBN1 is on the minus strand). VCF-style: chr15-48427678-A-G. GRCh37 (hg19) VCF-style: chr15-48719875-A-G.
Other names: c.7093T>C, p.Cys2365Arg (NM_001406716.1); short protein forms C2365R.
Identifiers: ClinVar variation 3759271 (VCV003759271.2).